The following is an entry in ClinVar:

NM_198525.3(KIF7):c.967A>G (p.Ile323Val)

Gene: KIF7 (kinesin family member 7; minus strand). Cytogenetic location: 15q26.1.
Variant type: single nucleotide variant.
Coding change: c.967A>G on transcript NM_198525.3 (MANE Select); coding-DNA position 967, A replaced by G.
Protein change: p.Ile323Val; replaces isoleucine 323 with valine.
Molecular consequence: missense variant.
Genome position (GRCh38, 1-based): chr15:89,648,731, T>C on the plus strand (A>G on the coding strand, the complement: KIF7 is on the minus strand). VCF-style: chr15-89648731-T-C. GRCh37 (hg19) VCF-style: chr15-90191962-T-C.
Other names: short protein forms I323V.
Identifiers: ClinVar variation 1311008 (VCV001311008.8), dbSNP rs1048051000, ClinGen allele CA274582622.

ClinVar aggregate classification (germline): Uncertain significance. Review status: criteria provided, multiple submitters, no conflicts (2 of 4 stars). 3 submissions from 3 submitters: Uncertain significance (3). Last evaluated 2025-11-11.

Conditions:
Acrocallosal syndrome (ACLS). Also called: HALLUX DUPLICATION, POSTAXIAL POLYDACTYLY, AND ABSENCE OF CORPUS CALLOSUM; Schinzel syndrome 1; Absence of corpus callosum with unusual facial appearance, mental deficiency, duplication of the halluces and polydactyly. Identifiers: Orphanet 36, MedGen C0796147, MONDO:0008708, OMIM 200990.

Allele frequency attached by ClinVar (database versions not stated): gnomAD exomes below 0.00001.
gnomAD v4.1: 5 of 1,536,060 alleles (0.00033%); highest among the groups gnomAD compares: Admixed American, 0.0039%; no homozygotes.

Submissions (3):

Dasa
Classification: Uncertain significance. Last evaluated: 2025-11-11. Review status: criteria provided, single submitter. Criteria: DASA Assertion Criteria. Collection method: clinical testing. Allele origin: germline.
Comment: NM_198525.3(KIF7):c.967A>G (p.Ile323Val) is a missense variant that results in the substitution of isoleucine with valine. This variant is rare in population databases. The currently available literature and clinical evidence are not sufficient to establish a definitive association between this variant and the reported condition. Therefore, this variant is classified as a variant of uncertain significance.

Labcorp Genetics (formerly Invitae), Labcorp
Classification: Uncertain significance for Acrocallosal syndrome. Last evaluated: 2022-08-16. Review status: criteria provided, single submitter. Criteria: Invitae Variant Classification Sherloc (09022015). Collection method: clinical testing. Allele origin: germline.
Comment: In summary, the available evidence is currently insufficient to determine the role of this variant in disease. Therefore, it has been classified as a Variant of Uncertain Significance. Algorithms developed to predict the effect of missense changes on protein structure and function are either unavailable or do not agree on the potential impact of this missense change (SIFT: "Deleterious"; PolyPhen-2: "Benign"; Align-GVGD: "Class C0"). ClinVar contains an entry for this variant (Variation ID: 1311008). This variant has not been reported in the literature in individuals affected with KIF7-related conditions. This variant is not present in population databases (gnomAD no frequency). This sequence change replaces isoleucine, which is neutral and non-polar, with valine, which is neutral and non-polar, at codon 323 of the KIF7 protein (p.Ile323Val).

GeneDx
Classification: Uncertain significance. Last evaluated: 2019-12-18. Review status: criteria provided, single submitter. Criteria: GeneDx Variant Classification Process June 2021. Collection method: clinical testing. Allele origin: germline. Affected: yes.
Comment: Not observed in large population cohorts (Lek et al., 2016); In silico analysis, which includes protein predictors and evolutionary conservation, supports that this variant does not alter protein structure/function; Has not been previously published as pathogenic or benign to our knowledge